The following is an entry in ClinVar:

ClinVar aggregate classification (germline): Uncertain significance (1 of 4 stars; one submission).

Allele frequency attached by ClinVar (database versions not stated): TOPMed below 0.00001.
gnomAD v4.1: 2 of 1,609,310 alleles (0.00012%); no homozygotes.

Submission:

Labcorp Genetics (formerly Invitae), Labcorp
Classification: Uncertain significance. Last evaluated: 2022-07-26. Review status: criteria provided, single submitter. Criteria: Invitae Variant Classification Sherloc (09022015). Collection method: clinical testing. Allele origin: germline.
Comment: ClinVar contains an entry for this variant (Variation ID: 1396753). In summary, the available evidence is currently insufficient to determine the role of this variant in disease. Therefore, it has been classified as a Variant of Uncertain Significance. Algorithms developed to predict the effect of missense changes on protein structure and function (SIFT, PolyPhen-2, Align-GVGD) all suggest that this variant is likely to be disruptive. This variant has not been reported in the literature in individuals affected with MPDZ-related conditions. This variant is present in population databases (no rsID available, gnomAD 0.009%). This sequence change replaces histidine, which is basic and polar, with tyrosine, which is neutral and polar, at codon 251 of the MPDZ protein (p.His251Tyr).

NM_001378778.1(MPDZ):c.751C>T (p.His251Tyr)

Gene: MPDZ (multiple PDZ domain crumbs cell polarity complex component; minus strand). Cytogenetic location: 9p23.
Variant type: single nucleotide variant.
Coding change: c.751C>T on transcript NM_001378778.1 (MANE Select); coding-DNA position 751, C replaced by T.
Protein change: p.His251Tyr; replaces histidine 251 with tyrosine.
Molecular consequence: missense variant.
Genome position (GRCh38, 1-based): chr9:13,221,497, G>A on the plus strand (C>T on the coding strand, the complement: MPDZ is on the minus strand). VCF-style: chr9-13221497-G-A. GRCh37 (hg19) VCF-style: chr9-13221496-G-A.
Other names: c.751C>T, p.His251Tyr (NM_001261406.2, NM_001261407.2, NM_001330637.2 and 14 more transcripts); short protein forms H251Y.
Identifiers: ClinVar variation 1396753 (VCV001396753.7), dbSNP rs1416039294, ClinGen allele CA372946552.